The following is an entry in ClinVar:

ClinVar aggregate classification (germline): Benign. Review status: criteria provided, multiple submitters, no conflicts (2 of 4 stars). 8 submissions from 8 submitters: Benign (8). Last evaluated 2026-02-04.

Conditions:
Pulmonary fibrosis and/or bone marrow failure syndrome, telomere-related, 8 (PFBMFT8). Identifiers: MedGen C5830496, MONDO:0957263, OMIM 620367.
Tumor predisposition syndrome 3 (TPDS3). Also called: Glioma susceptibility 9; LONG TELOMERE SYNDROME, POT1-RELATED; POT1 Tumor Predisposition; Melanoma, cutaneous malignant, susceptibility to, 10. Identifiers: Orphanet 618, MedGen C4014476, MONDO:0014368, OMIM 615848.
Cerebroretinal microangiopathy with calcifications and cysts 3 (CRMCC3). Identifiers: MedGen C5830497, MONDO:0957264, OMIM 620368.
Hereditary cancer-predisposing syndrome. Also called: Hereditary neoplastic syndrome; Hereditary Cancer Syndrome; Neoplastic Syndromes, Hereditary; Tumor predisposition. Identifiers: Orphanet 140162, MedGen C0027672, MeSH D009386, MONDO:0015356.

Allele frequency attached by ClinVar (database versions not stated): gnomAD 0.03162 and 0.03412; 1000 Genomes Project 30x 0.03279; ESP Exome Variant Server 0.03462; TOPMed 0.03658; ExAC 0.01095; 1000 Genomes Project 0.02875.
gnomAD v4.1: 9,370 of 1,588,362 alleles (0.59%); highest among the groups gnomAD compares: African/African-American, 11%; 477 homozygotes.

Submissions (8):

Labcorp Genetics (formerly Invitae), Labcorp
Classification: Benign for Tumor predisposition syndrome 3. Last evaluated: 2026-02-04. Review status: criteria provided, single submitter. Criteria: Invitae Variant Classification Sherloc (09022015). Collection method: clinical testing. Allele origin: germline.

Quest Diagnostics Nichols Institute San Juan Capistrano
Classification: Benign. Last evaluated: 2025-05-09. Review status: criteria provided, single submitter. Criteria: Quest Diagnostics criteria. Collection method: clinical testing. Allele origin: unknown.

Center for Genomic Medicine, Rigshospitalet, Copenhagen University Hospital
Classification: Benign. Last evaluated: 2025-03-04. Review status: criteria provided, single submitter. Criteria: ACMG Guidelines, 2015. Collection method: clinical testing. Allele origin: germline.

Mayo Clinic Laboratories, Mayo Clinic
Classification: Benign. Last evaluated: 2024-01-05. Review status: criteria provided, single submitter. Criteria: ACMG Guidelines, 2015. Collection method: clinical testing. Allele origin: germline. Observed: 10 variant alleles.

Department of Pathology and Laboratory Medicine, Sinai Health System
Classification: Benign for Tumor predisposition syndrome 3; Pulmonary fibrosis and/or bone marrow failure syndrome, telomere-related, 8; Cerebroretinal microangiopathy with calcifications and cysts 3. Last evaluated: 2023-09-25. Review status: criteria provided, single submitter. Criteria: ACMG Guidelines, 2015. Collection method: clinical testing. Allele origin: germline. Affected: no.

GeneDx
Classification: Benign. Last evaluated: 2017-12-31. Review status: criteria provided, single submitter. Criteria: GeneDx Variant Classification (06012015). Collection method: clinical testing. Allele origin: germline. Affected: yes.
Comment: This variant is considered likely benign or benign based on one or more of the following criteria: it is a conservative change, it occurs at a poorly conserved position in the protein, it is predicted to be benign by multiple in silico algorithms, and/or has population frequency not consistent with disease.

Ambry Genetics
Classification: Benign for Hereditary cancer-predisposing syndrome. Last evaluated: 2016-12-19. Review status: criteria provided, single submitter. Criteria: Ambry Variant Classification Scheme 2023. Collection method: clinical testing. Allele origin: germline.

Breakthrough Genomics
Classification: Benign. Review status: criteria provided, single submitter. Criteria: ACMG Guidelines, 2015. Collection method: not provided. Allele origin: germline. Inheritance: Autosomal dominant inheritance. Affected: yes.

NM_015450.3(POT1):c.1884A>C (p.Thr628=)

Gene: POT1 (protection of telomeres 1; minus strand). Cytogenetic location: 7q31.33.
Variant type: single nucleotide variant.
Coding change: c.1884A>C on transcript NM_015450.3 (MANE Select); coding-DNA position 1884, A replaced by C.
Protein change: p.Thr628=; no amino-acid change (threonine 628 retained).
Molecular consequence: synonymous variant. On other transcripts: non-coding transcript variant (3).
Genome position (GRCh38, 1-based): chr7:124,823,983, T>G on the plus strand (A>C on the coding strand, the complement: POT1 is on the minus strand). VCF-style: chr7-124823983-T-G. GRCh37 (hg19) VCF-style: chr7-124464037-T-G.
Other names: p.Thr628=; c.1491A>C, p.Thr497= (NM_001042594.2).
Identifiers: ClinVar variation 475068 (VCV000475068.27), dbSNP rs17147565, ClinGen allele CA4464952.